The following is an entry in ClinVar:

ClinVar aggregate classification (germline): Uncertain significance. Review status: criteria provided, multiple submitters, no conflicts (2 of 4 stars). 2 submissions from 2 submitters: Uncertain significance (2). Last evaluated 2025-09-15.

Conditions:
Acrocallosal syndrome (ACLS). Also called: HALLUX DUPLICATION, POSTAXIAL POLYDACTYLY, AND ABSENCE OF CORPUS CALLOSUM; Schinzel syndrome 1; Absence of corpus callosum with unusual facial appearance, mental deficiency, duplication of the halluces and polydactyly. Identifiers: Orphanet 36, MedGen C0796147, MONDO:0008708, OMIM 200990.
Hydrolethalus syndrome 2 (HLS2). Identifiers: Orphanet 2189, MedGen C3279899, MONDO:0013585, OMIM 614120.
Multiple epiphyseal dysplasia, Al-Gazali type. Also called: Macrocephaly with multiple epiphyseal dysplasia and distinctive facies. Identifiers: Orphanet 166024, MedGen C1846722, MONDO:0011778, OMIM 607131.

Allele frequency attached by ClinVar (database versions not stated): TOPMed below 0.00001; gnomAD 0.00001; 1000 Genomes Project 30x 0.00031.
gnomAD v4.1: 10 of 1,547,216 alleles (0.00065%); highest among the groups gnomAD compares: Admixed American, 0.002%; no homozygotes.

Submissions (2):

Labcorp Genetics (formerly Invitae), Labcorp
Classification: Uncertain significance for Acrocallosal syndrome. Last evaluated: 2025-09-15. Review status: criteria provided, single submitter. Criteria: Invitae Variant Classification Sherloc (09022015). Collection method: clinical testing. Allele origin: germline.
Comment: This sequence change replaces alanine, which is neutral and non-polar, with threonine, which is neutral and polar, at codon 239 of the KIF7 protein (p.Ala239Thr). This variant is present in population databases (no rsID available, gnomAD 0.004%). This variant has not been reported in the literature in individuals affected with KIF7-related conditions. ClinVar contains an entry for this variant (Variation ID: 2202645). Invitae Evidence Modeling of protein sequence and biophysical properties (such as structural, functional, and spatial information, amino acid conservation, physicochemical variation, residue mobility, and thermodynamic stability) indicates that this missense variant is not expected to disrupt KIF7 protein function with a negative predictive value of 80%. In summary, the available evidence is currently insufficient to determine the role of this variant in disease. Therefore, it has been classified as a Variant of Uncertain Significance.

Fulgent Genetics
Classification: Uncertain significance for Acrocallosal syndrome; Multiple epiphyseal dysplasia, Al-Gazali type; Hydrolethalus syndrome 2. Last evaluated: 2024-01-02. Review status: criteria provided, single submitter. Criteria: ACMG Guidelines, 2015. Collection method: clinical testing. Allele origin: germline.

NM_198525.3(KIF7):c.715G>A (p.Ala239Thr)

Gene: KIF7 (kinesin family member 7; minus strand). Cytogenetic location: 15q26.1.
Variant type: single nucleotide variant.
Coding change: c.715G>A on transcript NM_198525.3 (MANE Select); coding-DNA position 715, G replaced by A.
Protein change: p.Ala239Thr; replaces alanine 239 with threonine.
Molecular consequence: missense variant.
Genome position (GRCh38, 1-based): chr15:89,649,182, C>T on the plus strand (G>A on the coding strand, the complement: KIF7 is on the minus strand). VCF-style: chr15-89649182-C-T. GRCh37 (hg19) VCF-style: chr15-90192413-C-T.
Other names: short protein forms A239T.
Identifiers: ClinVar variation 2202645 (VCV002202645.4), dbSNP rs1394292136, ClinGen allele CA393775292.
Genomic context (GRCh38, chr15:89,649,182, plus strand): 5'-CCCTCTCTGAGCCCGCCAGGTCCACGAAGTGGAACTTGGAGACGAGCAGCTGGCCCGGGG[C>T]GGGGCGGGGTAGGCGGCTGGGGGCGCGCCCCCGCTGCTCCAGGGTCACGGTGAAGACCGT-3'
Protein context (NP_940927.2, residues 229-249): GRAPSRLPRP[Ala239Thr]PGQLLVSKFH